The following is an entry in ClinVar:

ClinVar aggregate classification (germline): Conflicting classifications of pathogenicity. Review status: criteria provided, conflicting classifications (1 of 4 stars). 7 submissions from 7 submitters: Uncertain significance (6); Likely benign (1). Last evaluated 2025-12-15.

Conditions:
Breast-ovarian cancer, familial, susceptibility to, 4. Identifiers: Orphanet 145, MedGen C3280345, MONDO:0013669, OMIM 614291.
Familial ovarian cancer. Identifiers: MedGen C5679802, MONDO:0016248.
Hereditary cancer-predisposing syndrome. Also called: Neoplastic Syndromes, Hereditary; Tumor predisposition; Hereditary Cancer Syndrome; Hereditary neoplastic syndrome. Identifiers: Orphanet 140162, MedGen C0027672, MeSH D009386, MONDO:0015356.
Hereditary breast ovarian cancer syndrome. Also called: BRCA1- and BRCA2-Associated Hereditary Breast and Ovarian Cancer; Hereditary breast and ovarian cancer syndrome; Hereditary breast and ovarian cancer; Hereditary breast and ovarian cancer syndrome (HBOC); Breast and ovarian cancer; Hereditary breast and/or ovarian cancer syndrome. Identifiers: Orphanet 145, MedGen C0677776, MeSH D061325, MONDO:0003582. Disease mechanism: loss of function.

Allele frequency attached by ClinVar (database versions not stated): gnomAD below 0.00001 and 0.00001; TOPMed 0.00001; ExAC 0.00002; gnomAD exomes 0.00002.
gnomAD v4.1: 41 of 1,614,044 alleles (0.0025%); highest among the groups gnomAD compares: South Asian, 0.027%; no homozygotes.

Submissions (7):

Labcorp Genetics (formerly Invitae), Labcorp
Classification: Uncertain significance for Breast-ovarian cancer, familial, susceptibility to, 4. Last evaluated: 2025-12-15. Review status: criteria provided, single submitter. Criteria: Invitae Variant Classification Sherloc (09022015). Collection method: clinical testing. Allele origin: germline.
Comment: This sequence change replaces aspartic acid, which is acidic and polar, with asparagine, which is neutral and polar, at codon 279 of the RAD51D protein (p.Asp279Asn). This variant is present in population databases (rs765271127, gnomAD 0.02%). This missense change has been observed in individual(s) with breast cancer, Lynch syndrome-associated cancer and/or colorectal polyps (PMID: 25980754, 34326862). ClinVar contains an entry for this variant (Variation ID: 231837). Invitae Evidence Modeling of protein sequence and biophysical properties (such as structural, functional, and spatial information, amino acid conservation, physicochemical variation, residue mobility, and thermodynamic stability) indicates that this missense variant is not expected to disrupt RAD51D protein function with a negative predictive value of 80%. In summary, the available evidence is currently insufficient to determine the role of this variant in disease. Therefore, it has been classified as a Variant of Uncertain Significance.

Center for Genomic Medicine, Rigshospitalet, Copenhagen University Hospital
Classification: Uncertain significance. Last evaluated: 2025-03-04. Review status: criteria provided, single submitter. Criteria: ACMG Guidelines, 2015. Collection method: clinical testing. Allele origin: germline.

Molecular Pathology, Peter Maccallum Cancer Centre
Classification: Uncertain significance for Familial ovarian cancer. Last evaluated: 2025-02-10. Review status: criteria provided, single submitter. Criteria: ACMG Guidelines, 2015. Collection method: clinical testing. Allele origin: germline. Inheritance: Autosomal dominant inheritance.

Ambry Genetics
Classification: Likely benign for Hereditary cancer-predisposing syndrome. Last evaluated: 2024-12-19. Review status: criteria provided, single submitter. Criteria: Ambry Variant Classification Scheme 2023. Collection method: clinical testing. Allele origin: germline.

Color Diagnostics, LLC DBA Color Health
Classification: Uncertain significance for Hereditary cancer-predisposing syndrome. Last evaluated: 2024-07-01. Review status: criteria provided, single submitter. Criteria: ACMG Guidelines, 2015. Collection method: clinical testing. Allele origin: germline.
Comment: This missense variant replaces aspartic acid with asparagine at codon 279 of the RAD51D protein. Computational prediction suggests that this variant may not impact protein structure and function. To our knowledge, functional studies have not been reported for this variant. This variant has been reported in an individual affected with breast cancer (PMID: 34326862) and in an individual affected with Lynch syndrome-associated cancer and/or polyps (PMID: 25980754). This variant has been identified in 5/251450 chromosomes in the general population by the Genome Aggregation Database (gnomAD). The available evidence is insufficient to determine the role of this variant in disease conclusively. Therefore, this variant is classified as a Variant of Uncertain Significance.

Department of Pathology and Laboratory Medicine, Sinai Health System
Classification: Uncertain significance for Hereditary breast ovarian cancer syndrome. Last evaluated: 2021-12-30. Review status: criteria provided, single submitter. Criteria: ACMG Guidelines, 2015. Collection method: clinical testing. Allele origin: germline. Affected: yes.

GeneDx
Classification: Uncertain significance. Last evaluated: 2016-03-21. Review status: criteria provided, single submitter. Criteria: GeneDx Variant Classification (06012015). Collection method: clinical testing. Allele origin: germline. Affected: yes.
Comment: This variant is denoted RAD51D c.835G>A at the cDNA level, p.Asp279Asn (D279N) at the protein level, and results in the change of an Aspartic Acid to an Asparagine (GAC>AAC). This variant has been reported in at least one individual with a Lynch-syndrome associated tumor and/or colon polyps (Yurgelun 2015). RAD51D Asp279Asn was not observed in approximately 6,500 individuals of European and African American ancestry in the NHLBI Exome Sequencing Project, suggesting it is not a common benign variant in these populations. Since Aspartic Acid and Asparagine differ in some properties, this is considered a semi-conservative amino acid substitution. RAD51D Asp279Asn occurs at a position that is not conserved and is located in the ATPase domain (Kim 2011). In silico analyses are inconsistent regarding the effect this variant may have on protein structure and function. Based on currently available evidence, it is unclear whether RAD51D Asp279Asn is a pathogenic or benign variant. We consider it to be a variant of uncertain significance.

Literature cited by the submitters: PubMed 25980754 (cited by 3 submitters); PubMed 34326862 (cited by Labcorp Genetics (formerly Invitae), Labcorp and Color Diagnostics, LLC DBA Color Health).

NM_002878.4(RAD51D):c.835G>A (p.Asp279Asn)

Genes: RAD51D (RAD51 paralog D; minus strand), RAD51L3-RFFL (RAD51L3-RFFL readthrough; minus strand). Cytogenetic location: 17q12.
Variant type: single nucleotide variant.
Coding change: c.835G>A on transcript NM_002878.4 (MANE Select); coding-DNA position 835, G replaced by A.
Protein change: p.Asp279Asn; replaces aspartic acid 279 with asparagine.
Molecular consequence: missense variant. On other transcripts: non-coding transcript variant (3).
Genome position (GRCh38, 1-based): chr17:35,101,269, C>T on the plus strand (G>A on the coding strand, the complement: RAD51D is on the minus strand). VCF-style: chr17-35101269-C-T. GRCh37 (hg19) VCF-style: chr17-33428288-C-T.
Other names: c.895G>A, p.Asp299Asn (NM_001142571.2); c.499G>A, p.Asp167Asn (NM_133629.3); short protein forms D279N, D167N, D299N.
Identifiers: ClinVar variation 231837 (VCV000231837.24), dbSNP rs765271127, ClinGen allele CA8499336.